The following is an entry in ClinVar:

NM_016373.4(WWOX):c.106A>G (p.Asn36Asp)

Gene: WWOX (WW domain containing oxidoreductase; plus strand). Cytogenetic location: 16q23.1.
Variant type: single nucleotide variant.
Coding change: c.106A>G on transcript NM_016373.4 (MANE Select); coding-DNA position 106, A replaced by G.
Protein change: p.Asn36Asp; replaces asparagine 36 with aspartic acid.
Molecular consequence: missense variant. On other transcripts: 5 prime UTR variant (1), non-coding transcript variant (2).
Genome position (GRCh38, 1-based): chr16:78,099,884, A>G. VCF-style: chr16-78099884-A-G. GRCh37 (hg19) VCF-style: chr16-78133781-A-G.
Other names: c.-169A>G (NM_001291997.2); c.106A>G, p.Asn36Asp (NM_130791.5); c.106A>G (NM_016373.2); short protein forms N36D.
Identifiers: ClinVar variation 938023 (VCV000938023.6), dbSNP rs1385155926, ClinGen allele CA396841951.
Genomic context (GRCh38, chr16:78,099,884, plus strand): 5'-GACGAGCTGCCTCCGGGCTGGGAGGAGAGAACCACCAAGGACGGCTGGGTTTACTACGCC[A>G]AGTAAGGGGGCCGCAGTGGGGCCGCGGACGCACCTGGGACCCTGCACAGCCCACGGACGC-3'
Protein context (NP_057457.1, residues 26-46): TTKDGWVYYA[Asn36Asp]HTEEKTQWEH

ClinVar aggregate classification (germline): Uncertain significance. Review status: criteria provided, multiple submitters, no conflicts (2 of 4 stars). 2 submissions from 2 submitters: Uncertain significance (2). Last evaluated 2022-10-05.

Conditions:
Developmental and epileptic encephalopathy, 1 (DEE1). Also called: Epileptic encephalopathy, early infantile, 1; X-linked infantile spasms; West's syndrome; Tonic spasms with clustering, arrest of psychomotor development and hypsarrhythmia on EEG; X-Linked Infantile Spasm Syndrome; OHTAHARA SYNDROME, X-LINKED. Identifiers: MedGen C3463992, MONDO:0010632, OMIM 308350. Disease mechanism: loss of function.
Autosomal recessive spinocerebellar ataxia 12. Also called: SPINOCEREBELLAR ATAXIA WITH MENTAL RETARDATION AND EPILEPSY. Identifiers: Orphanet 284282, MedGen C3280452, MONDO:0013687, OMIM 614322.
Inborn genetic diseases. Identifiers: MedGen C0950123, MeSH D030342.

Allele frequency attached by ClinVar (database versions not stated): gnomAD exomes 0.00002; TOPMed below 0.00001.
gnomAD v4.1: 3 of 1,562,788 alleles (0.00019%); highest among the groups gnomAD compares: Admixed American, 0.0057%; no homozygotes.

Submissions (2):

Labcorp Genetics (formerly Invitae), Labcorp
Classification: Uncertain significance for Developmental and epileptic encephalopathy, 1; Autosomal recessive spinocerebellar ataxia 12. Last evaluated: 2022-10-05. Review status: criteria provided, single submitter. Criteria: Invitae Variant Classification Sherloc (09022015). Collection method: clinical testing. Allele origin: germline.
Comment: This sequence change replaces asparagine, which is neutral and polar, with aspartic acid, which is acidic and polar, at codon 36 of the WWOX protein (p.Asn36Asp). The frequency data for this variant in the population databases is considered unreliable, as metrics indicate poor data quality at this position in the gnomAD database. This variant has not been reported in the literature in individuals affected with WWOX-related conditions. ClinVar contains an entry for this variant (Variation ID: 938023). Algorithms developed to predict the effect of missense changes on protein structure and function are either unavailable or do not agree on the potential impact of this missense change (SIFT: "Not Available"; PolyPhen-2: "Benign"; Align-GVGD: "Not Available"). Algorithms developed to predict the effect of sequence changes on RNA splicing suggest that this variant may disrupt the consensus splice site. In summary, the available evidence is currently insufficient to determine the role of this variant in disease. Therefore, it has been classified as a Variant of Uncertain Significance.

Ambry Genetics
Classification: Uncertain significance for Inborn genetic diseases. Last evaluated: 2021-06-17. Review status: criteria provided, single submitter. Criteria: Ambry Variant Classification Scheme 2023. Collection method: clinical testing. Allele origin: germline.